The following is an entry in ClinVar:

ClinVar aggregate classification (germline): Uncertain significance. Review status: criteria provided, multiple submitters, no conflicts (2 of 4 stars). 3 submissions from 3 submitters: Uncertain significance (3). Last evaluated 2025-06-12.

Conditions:
Bethlem myopathy 1A. Also called: Bethlem Muscular Dystrophy; MYOPATHY, BENIGN CONGENITAL, WITH CONTRACTURES; Bethlem myopathy 1. Identifiers: Orphanet 610, MedGen CN029274, MONDO:0024530, OMIM 158810.

Submissions (3):

Labcorp Genetics (formerly Invitae), Labcorp
Classification: Uncertain significance for Bethlem myopathy 1A. Last evaluated: 2025-06-12. Review status: criteria provided, single submitter. Criteria: Invitae Variant Classification Sherloc (09022015). Collection method: clinical testing. Allele origin: germline.
Comment: This sequence change falls in intron 17 of the COL6A2 gene. It does not directly change the encoded amino acid sequence of the COL6A2 protein. It affects a nucleotide within the consensus splice site. This variant is present in population databases (rs765084926, gnomAD 0.005%). This variant has been observed in individual(s) with clinical features of COL6A2-related conditions (PMID: 18378883, 30564623). This variant is also known as c.1458+1_c.1458+4del. ClinVar contains an entry for this variant (Variation ID: 497117). Variants that disrupt the consensus splice site are a relatively common cause of aberrant splicing (PMID: 17576681, 9536098). Algorithms developed to predict the effect of sequence changes on RNA splicing suggest that this variant may disrupt the consensus splice site. In summary, the available evidence is currently insufficient to determine the role of this variant in disease. Therefore, it has been classified as a Variant of Uncertain Significance.

Revvity Omics, Revvity
Classification: Uncertain significance. Last evaluated: 2021-10-13. Review status: criteria provided, single submitter. Criteria: ACMG Guidelines, 2015. Collection method: clinical testing. Allele origin: germline.

Eurofins Ntd Llc (ga)
Classification: Uncertain significance. Last evaluated: 2016-11-07. Review status: criteria provided, single submitter. Criteria: EGL Classification Definitions 2015. Collection method: clinical testing. Allele origin: germline. Observed: 1 variant allele, 1 heterozygote.

Literature cited by the submitters: PubMed 18378883 (cited by Labcorp Genetics (formerly Invitae), Labcorp); PubMed 30564623 (cited by Labcorp Genetics (formerly Invitae), Labcorp); PubMed 17576681 (cited by Labcorp Genetics (formerly Invitae), Labcorp); PubMed 9536098 (cited by Labcorp Genetics (formerly Invitae), Labcorp).

NM_001849.4(COL6A2):c.1458+3_1458+6del

Gene: COL6A2 (collagen type VI alpha 2 chain; plus strand). Cytogenetic location: 21q22.3.
Variant type: Deletion.
Coding change: c.1458+3_1458+6del on transcript NM_001849.4 (MANE Select); bases 3 to 6 of the intron after coding-DNA position 1458, 4 bases deleted (CAGT; older notation c.1458+3_1458+6delCAGT).
Molecular consequence: splice donor variant.
Genome position (GRCh38, 1-based): chr21:46,121,126-46,121,129, CAGT deleted; deleting any 4 consecutive bases within chr21:46,121,124-46,121,129 gives the same sequence; the c. name uses the placement nearest the transcript's 3' end. VCF-style (leftmost placement, unchanged base first): chr21-46121123-GGTCA-G. GRCh37 (hg19) VCF-style: chr21-47541037-GGTCA-G.
Other names: c.1458+3_1458+6del (NM_058175.3, NM_058174.3).
Identifiers: ClinVar variation 497117 (VCV000497117.16), dbSNP rs765084926, ClinGen allele CA10071879.